The following is an entry in ClinVar:

NM_004706.4(ARHGEF1):c.1781G>A (p.Cys594Tyr)

Gene: ARHGEF1 (Rho guanine nucleotide exchange factor 1; plus strand). Cytogenetic location: 19q13.2.
Variant type: single nucleotide variant.
Coding change: c.1781G>A on transcript NM_004706.4 (MANE Select); coding-DNA position 1781, G replaced by A.
Protein change: p.Cys594Tyr; replaces cysteine 594 with tyrosine.
Molecular consequence: missense variant. On other transcripts: non-coding transcript variant (2).
Genome position (GRCh38, 1-based): chr19:41,903,349, G>A. VCF-style: chr19-41903349-G-A. GRCh37 (hg19) VCF-style: chr19-42407499-G-A.
Other names: c.1682G>A, p.Cys561Tyr (NM_198977.2, NM_001396002.1, NM_001396004.1); c.1826G>A, p.Cys609Tyr (NM_199002.2); c.1949G>A, p.Cys650Tyr (NM_001396000.1); c.1781G>A, p.Cys594Tyr (NM_001396003.1, NM_001396006.1); short protein forms C650Y, C594Y, C561Y, C609Y.
Identifiers: ClinVar variation 2990720 (VCV002990720.3), dbSNP rs782733467, ClinGen allele CA406062995.

ClinVar aggregate classification (germline): Uncertain significance (1 of 4 stars; one submission).

Submission:

Labcorp Genetics (formerly Invitae), Labcorp
Classification: Uncertain significance. Last evaluated: 2022-12-15. Review status: criteria provided, single submitter. Criteria: Invitae Variant Classification Sherloc (09022015). Collection method: clinical testing. Allele origin: germline.
Comment: This sequence change replaces cysteine, which is neutral and slightly polar, with tyrosine, which is neutral and polar, at codon 609 of the ARHGEF1 protein (p.Cys609Tyr). This variant is not present in population databases (gnomAD no frequency). This variant has not been reported in the literature in individuals affected with ARHGEF1-related conditions. Algorithms developed to predict the effect of missense changes on protein structure and function are either unavailable or do not agree on the potential impact of this missense change (SIFT: "Deleterious"; PolyPhen-2: "Probably Damaging"; Align-GVGD: "Class C0"). In summary, the available evidence is currently insufficient to determine the role of this variant in disease. Therefore, it has been classified as a Variant of Uncertain Significance.